The following is an entry in ClinVar:

NM_001184880.2(PCDH19):c.2139C>A (p.Tyr713Ter)

Gene: PCDH19 (protocadherin 19; minus strand). Cytogenetic location: Xq22.1.
Variant type: single nucleotide variant.
Coding change: c.2139C>A on transcript NM_001184880.2 (MANE Select); coding-DNA position 2139, C replaced by A.
Protein change: p.Tyr713Ter; replaces tyrosine 713 with a stop codon.
Molecular consequence: nonsense.
Genome position (GRCh38, 1-based): chrX:100,406,459, G>T on the plus strand (C>A on the coding strand, the complement: PCDH19 is on the minus strand). VCF-style: chrX-100406459-G-T. GRCh37 (hg19) VCF-style: chrX-99661457-G-T.
Other names: c.2139C>A, p.Tyr713Ter (NM_001105243.2, NM_020766.3); short protein forms Y713*.
Identifiers: ClinVar variation 964720 (VCV000964720.9), dbSNP rs1928349391, ClinGen allele CA414001198.

ClinVar aggregate classification (germline): Pathogenic/Likely pathogenic. Review status: criteria provided, multiple submitters, no conflicts (2 of 4 stars). 2 submissions from 2 submitters: Pathogenic (1); Likely pathogenic (1). Last evaluated 2024-08-05.

Conditions:
PCDH19-related disorder. Also called: PCDH19-related condition.
Developmental and epileptic encephalopathy, 9 (DEE9). Also called: Early infantile epileptic encephalopathy 9; JUBERG-HELLMAN SYNDROME; EPILEPSY, FEMALE-RESTRICTED, WITH MENTAL RETARDATION; PCDH19-Related X-Linked Female-Limited Epilepsy with Mental Retardation. Identifiers: Orphanet 101039, Orphanet 2076, MedGen C1848137, MONDO:0010246, OMIM 300088. Disease mechanism: loss of function.

Submissions (2):

Blueprint Genetics
Classification: Likely pathogenic for PCDH19-related disorders. Last evaluated: 2024-08-05. Review status: criteria provided, single submitter. Criteria: ACMG Guidelines, 2015. Collection method: clinical testing. Allele origin: germline. Affected: yes. Observed: 2 variant alleles.

Labcorp Genetics (formerly Invitae), Labcorp
Classification: Pathogenic for Developmental and epileptic encephalopathy, 9. Last evaluated: 2022-03-23. Review status: criteria provided, single submitter. Criteria: Invitae Variant Classification Sherloc (09022015). Collection method: clinical testing. Allele origin: germline.
Comment: ClinVar contains an entry for this variant (Variation ID: 964720). For these reasons, this variant has been classified as Pathogenic. This variant has not been reported in the literature in individuals affected with PCDH19-related conditions. This variant is not present in population databases (gnomAD no frequency). This sequence change creates a premature translational stop signal (p.Tyr713*) in the PCDH19 gene. It is expected to result in an absent or disrupted protein product. Loss-of-function variants in PCDH19 are known to be pathogenic (PMID: 21053371).

Literature cited by the submitters: PubMed 21053371 (cited by Labcorp Genetics (formerly Invitae), Labcorp).